The following is an entry in ClinVar:

NM_015915.5(ATL1):c.997A>G (p.Ile333Val)

Gene: ATL1 (atlastin GTPase 1; plus strand). Cytogenetic location: 14q22.1.
Variant type: single nucleotide variant.
Coding change: c.997A>G on transcript NM_015915.5 (MANE Select); coding-DNA position 997, A replaced by G.
Protein change: p.Ile333Val; replaces isoleucine 333 with valine.
Molecular consequence: missense variant.
Genome position (GRCh38, 1-based): chr14:50,621,849, A>G. VCF-style: chr14-50621849-A-G. GRCh37 (hg19) VCF-style: chr14-51088567-A-G.
Other names: c.997A>G, p.Ile333Val (NM_001127713.1, NM_181598.4); c.997A>G (NM_015915.4); short protein forms I333V.
Identifiers: ClinVar variation 1444987 (VCV001444987.7), dbSNP rs749993404, ClinGen allele CA7180400.

ClinVar aggregate classification (germline): Conflicting classifications of pathogenicity. Review status: criteria provided, conflicting classifications (1 of 4 stars). 2 submissions from 2 submitters: Uncertain significance (1); Likely benign (1). Last evaluated 2025-06-09.

Conditions:
Inborn genetic diseases. Identifiers: MedGen C0950123, MeSH D030342.
Hereditary spastic paraplegia 3A (SPG3A). Also called: SPASTIC PARAPLEGIA 3, AUTOSOMAL DOMINANT; FAMILIAL SPASTIC PARAPLEGIA, AUTOSOMAL DOMINANT, 1; SPG3; STRUMPELL DISEASE; Spastic Paraplegia 3A; Spastic paraplegia 3A, autosomal dominant. Identifiers: Orphanet 100984, MedGen C2931355, MONDO:0008437, OMIM 182600.

Allele frequency attached by ClinVar (database versions not stated): gnomAD exomes below 0.00001 and 0.00002; TOPMed below 0.00001; gnomAD 0.00001; ExAC 0.00002.
gnomAD v4.1: 8 of 1,579,762 alleles (0.00051%); highest among the groups gnomAD compares: East Asian, 0.018%; no homozygotes.

Submissions (2):

Labcorp Genetics (formerly Invitae), Labcorp
Classification: Uncertain significance for Hereditary spastic paraplegia 3A. Last evaluated: 2025-06-09. Review status: criteria provided, single submitter. Criteria: Invitae Variant Classification Sherloc (09022015). Collection method: clinical testing. Allele origin: germline.
Comment: This sequence change replaces isoleucine, which is neutral and non-polar, with valine, which is neutral and non-polar, at codon 333 of the ATL1 protein (p.Ile333Val). This variant is present in population databases (rs749993404, gnomAD 0.03%). This variant has not been reported in the literature in individuals affected with ATL1-related conditions. ClinVar contains an entry for this variant (Variation ID: 1444987). Invitae Evidence Modeling of protein sequence and biophysical properties (such as structural, functional, and spatial information, amino acid conservation, physicochemical variation, residue mobility, and thermodynamic stability) has been performed for this missense variant. However, the output from this modeling did not meet the statistical confidence thresholds required to predict the impact of this variant on ATL1 protein function. In summary, the available evidence is currently insufficient to determine the role of this variant in disease. Therefore, it has been classified as a Variant of Uncertain Significance.

Ambry Genetics
Classification: Likely benign for Inborn genetic diseases. Last evaluated: 2024-03-18. Review status: criteria provided, single submitter. Criteria: Ambry Variant Classification Scheme 2023. Collection method: clinical testing. Allele origin: germline.